The following is an entry in ClinVar:

ClinVar aggregate classification (germline): Pathogenic (1 of 4 stars; one submission).

Conditions:
Inborn genetic diseases. Identifiers: MedGen C0950123, MeSH D030342.

Submission:

Ambry Genetics
Classification: Pathogenic for Inborn genetic diseases. Last evaluated: 2021-04-16. Review status: criteria provided, single submitter. Criteria: Ambry Variant Classification Scheme 2023. Collection method: clinical testing. Allele origin: germline.
Comment: The p.Q538* variant (also known as c.1612C>T), located in coding exon 13 of the MFN2 gene, results from a C to T substitution at nucleotide position 1612. This changes the amino acid from a glutamine to a stop codon within coding exon 13. This alteration is expected to result in loss of function by premature protein truncation or nonsense-mediated mRNA decay. Based on the supporting evidence, this variant is expected to be causative of autosomal recessive Charcot-Marie-Tooth disease (CMT) type 2A2B when present along with a second pathogenic variant on the other allele; however, its clinical significance for autosomal dominant Charcot-Marie-Tooth disease (CMT) type 2A2A and/or hereditary motor and sensory neuropathy VIA is unclear.

NM_014874.4(MFN2):c.1612C>T (p.Gln538Ter)

Gene: MFN2 (mitofusin 2; plus strand). Cytogenetic location: 1p36.22.
Variant type: single nucleotide variant.
Coding change: c.1612C>T on transcript NM_014874.4 (MANE Select); coding-DNA position 1612, C replaced by T.
Protein change: p.Gln538Ter; replaces glutamine 538 with a stop codon.
Molecular consequence: nonsense.
Genome position (GRCh38, 1-based): chr1:12,005,827, C>T. VCF-style: chr1-12005827-C-T. GRCh37 (hg19) VCF-style: chr1-12065884-C-T.
Other names: c.1612C>T, p.Gln538Ter (NM_001127660.2); short protein forms Q538*.
Identifiers: ClinVar variation 1776421 (VCV001776421.2), dbSNP rs1027714006, ClinGen allele CA338448067.
Genomic context (GRCh38, chr1:12,005,827, plus strand): 5'-CCACGCCAGTGCTTCTCCCTCAACTATGACCTAAACTGTGACAAGCTGTGTGCTGACTTC[C>T]AGGAAGACATTGAGTTCCATTTCTCTCTCGGATGGACCATGCTGGTGAATAGGTTCCTGG-3'